The following is an entry in ClinVar:

ClinVar aggregate classification (germline): Uncertain significance. Review status: criteria provided, multiple submitters, no conflicts (2 of 4 stars). 2 submissions from 2 submitters: Uncertain significance (2). Last evaluated 2024-09-22.

Conditions:
Long QT syndrome (LQTS). Identifiers: MedGen C0023976, MeSH D008133, MONDO:0002442. Disease mechanism: loss of function. Inheritance: Various modes of inheritance.
Cardiovascular phenotype. Identifiers: MedGen CN230736.

Allele frequency attached by ClinVar (database versions not stated): gnomAD exomes below 0.00001; gnomAD 0.00001; TOPMed 0.00002.
gnomAD v4.1: 5 of 1,602,566 alleles (0.00031%); highest among the groups gnomAD compares: African/African-American, 0.0067%; no homozygotes.

Submissions (2):

Labcorp Genetics (formerly Invitae), Labcorp
Classification: Uncertain significance for Long QT syndrome. Last evaluated: 2024-09-22. Review status: criteria provided, single submitter. Criteria: Invitae Variant Classification Sherloc (09022015). Collection method: clinical testing. Allele origin: germline.
Comment: This sequence change replaces threonine, which is neutral and polar, with isoleucine, which is neutral and non-polar, at codon 1089 of the KCNH2 protein (p.Thr1089Ile). This variant is present in population databases (no rsID available, gnomAD 0.008%). This variant has not been reported in the literature in individuals affected with KCNH2-related conditions. ClinVar contains an entry for this variant (Variation ID: 1494957). An algorithm developed to predict the effect of missense changes on protein structure and function (PolyPhen-2) suggests that this variant is likely to be tolerated. In summary, the available evidence is currently insufficient to determine the role of this variant in disease. Therefore, it has been classified as a Variant of Uncertain Significance.

Ambry Genetics
Classification: Uncertain significance for Cardiovascular phenotype. Last evaluated: 2024-05-10. Review status: criteria provided, single submitter. Criteria: Ambry Variant Classification Scheme 2023. Collection method: clinical testing. Allele origin: germline.
Comment: The p.T1089I variant (also known as c.3266C>T), located in coding exon 14 of the KCNH2 gene, results from a C to T substitution at nucleotide position 3266. The threonine at codon 1089 is replaced by isoleucine, an amino acid with similar properties. This amino acid position is not well conserved in available vertebrate species. In addition, the in silico prediction for this alteration is inconclusive. Based on the available evidence, the clinical significance of this variant remains unclear.

NM_000238.4(KCNH2):c.3266C>T (p.Thr1089Ile)

Gene: KCNH2 (potassium voltage-gated channel subfamily H member 2; minus strand). Cytogenetic location: 7q36.1.
Variant type: single nucleotide variant.
Coding change: c.3266C>T on transcript NM_000238.4 (MANE Select); coding-DNA position 3266, C replaced by T.
Protein change: p.Thr1089Ile; replaces threonine 1089 with isoleucine.
Molecular consequence: missense variant.
Genome position (GRCh38, 1-based): chr7:150,946,941, G>A on the plus strand (C>T on the coding strand, the complement: KCNH2 is on the minus strand). VCF-style: chr7-150946941-G-A. GRCh37 (hg19) VCF-style: chr7-150644029-G-A.
Other names: c.3266C>T (NM_000238.3); c.2246C>T, p.Thr749Ile (NM_172057.3); short protein forms T1089I, T749I.
Identifiers: ClinVar variation 1494957 (VCV001494957.7), dbSNP rs1009829215, ClinGen allele CA169071264.